The following is an entry in ClinVar:

ClinVar aggregate classification (germline): Uncertain significance (1 of 4 stars; one submission).

Submission:

GeneDx
Classification: Uncertain significance. Last evaluated: 2024-04-11. Review status: criteria provided, single submitter. Criteria: GeneDx Variant Classification Process June 2021. Collection method: clinical testing. Allele origin: germline. Affected: yes.
Comment: Not observed at significant frequency in large population cohorts (gnomAD); In silico analysis indicates that this missense variant does not alter protein structure/function; Has not been previously published as pathogenic or benign to our knowledge

NM_001197104.2(KMT2A):c.7053C>G (p.Ile2351Met)

Gene: KMT2A (lysine methyltransferase 2A; plus strand). Cytogenetic location: 11q23.3.
Variant type: single nucleotide variant.
Coding change: c.7053C>G on transcript NM_001197104.2 (MANE Select); coding-DNA position 7053, C replaced by G.
Protein change: p.Ile2351Met; replaces isoleucine 2351 with methionine.
Molecular consequence: missense variant.
Genome position (GRCh38, 1-based): chr11:118,502,945, C>G. VCF-style: chr11-118502945-C-G. GRCh37 (hg19) VCF-style: chr11-118373660-C-G.
Other names: c.7143C>G, p.Ile2381Met (NM_001412597.1); c.7044C>G, p.Ile2348Met (NM_005933.4); short protein forms I2348M, I2351M, I2381M.
Identifiers: ClinVar variation 3372201 (VCV003372201.1).